The following is an entry in ClinVar:

NM_001198533.2(OXR1):c.1056A>G (p.Val352=)

Gene: OXR1 (oxidation resistance 1; plus strand). Cytogenetic location: 8q23.1.
Variant type: single nucleotide variant.
Coding change: c.1056A>G on transcript NM_001198533.2 (MANE Select); coding-DNA position 1056, A replaced by G.
Protein change: p.Val352=; no amino-acid change (valine 352 retained).
Molecular consequence: synonymous variant.
Genome position (GRCh38, 1-based): chr8:106,706,577, A>G. VCF-style: chr8-106706577-A-G. GRCh37 (hg19) VCF-style: chr8-107718805-A-G.
Other names: c.1059A>G, p.Val353= (NM_001198532.1); c.1056A>G, p.Val352= (NM_018002.3); c.1035A>G, p.Val345= (NM_181354.4).
Identifiers: ClinVar variation 4084475 (VCV004084475.8).

ClinVar aggregate classification (germline): Likely benign (1 of 4 stars; one submission).

gnomAD v4.1: 395 of 1,612,192 alleles (0.025%); highest among the groups gnomAD compares: South Asian, 0.4%; 4 homozygotes.

Submission:

CeGaT Center for Human Genetics Tuebingen
Classification: Likely benign. Last evaluated: 2025-08-01. Review status: criteria provided, single submitter. Criteria: CeGaT Center For Human Genetics Tuebingen Variant Classification Criteria Version 2. Collection method: clinical testing. Allele origin: germline. Affected: yes. Observed: 1 variant allele.
Comment: OXR1: BP4, BP7